The following is an entry in ClinVar:

ClinVar aggregate classification (germline): Uncertain significance. Review status: criteria provided, multiple submitters, no conflicts (2 of 4 stars). 2 submissions from 2 submitters: Uncertain significance (2). Last evaluated 2024-02-09.

Conditions:
Wolfram-like syndrome. Also called: HEARING LOSS, PROGRESSIVE, WITH OPTIC ATROPHY AND/OR IMPAIRED GLUCOSE REGULATION. Identifiers: Orphanet 411590, MedGen C3280358, MONDO:0013673, OMIM 614296.
Cataract 41 (CTRCT41). Also called: CATARACT 41, CONGENITAL NUCLEAR TYPE. Identifiers: Orphanet 91492, Orphanet 98991, Orphanet 98992, Orphanet 98995, MedGen C3805412, MONDO:0007287, OMIM 116400.
Autosomal dominant nonsyndromic hearing loss 6 (LFSNHL). Also called: DEAFNESS, AUTOSOMAL DOMINANT 6; DEAFNESS, AUTOSOMAL DOMINANT 14; DEAFNESS, AUTOSOMAL DOMINANT 38; Autosomal dominant nonsyndromic deafness 6. Identifiers: Orphanet 90635, MedGen C1833021, MONDO:0010963, OMIM 600965.
Type 2 diabetes mellitus. Also called: Type II diabetes mellitus. Identifiers: MedGen C0011860, MeSH D003924, MONDO:0005148, OMIM 125853, HP:0005978.
Wolfram syndrome 1 (WFS1). Identifiers: Orphanet 3463, MedGen C4551693, MONDO:0009101, OMIM 222300.

gnomAD v4.1: 11 of 1,612,426 alleles (0.00068%); highest among the groups gnomAD compares: Middle Eastern, 0.036%; no homozygotes.

Submissions (2):

Fulgent Genetics
Classification: Uncertain significance for Cataract 41; Type 2 diabetes mellitus; Wolfram syndrome 1; Autosomal dominant nonsyndromic hearing loss 6; Wolfram-like syndrome. Last evaluated: 2024-02-09. Review status: criteria provided, single submitter. Criteria: ACMG Guidelines, 2015. Collection method: clinical testing. Allele origin: germline.

Labcorp Genetics (formerly Invitae), Labcorp
Classification: Uncertain significance. Last evaluated: 2023-08-20. Review status: criteria provided, single submitter. Criteria: Invitae Variant Classification Sherloc (09022015). Collection method: clinical testing. Allele origin: germline.
Comment: This sequence change replaces alanine, which is neutral and non-polar, with valine, which is neutral and non-polar, at codon 275 of the WFS1 protein (p.Ala275Val). This variant is present in population databases (rs769151204, gnomAD 0.002%). This variant has not been reported in the literature in individuals affected with WFS1-related conditions. Advanced modeling of protein sequence and biophysical properties (such as structural, functional, and spatial information, amino acid conservation, physicochemical variation, residue mobility, and thermodynamic stability) performed at Invitae indicates that this missense variant is not expected to disrupt WFS1 protein function. In summary, the available evidence is currently insufficient to determine the role of this variant in disease. Therefore, it has been classified as a Variant of Uncertain Significance.

NM_006005.3(WFS1):c.824C>T (p.Ala275Val)

Gene: WFS1 (wolframin ER transmembrane glycoprotein; plus strand). Cytogenetic location: 4p16.1.
Variant type: single nucleotide variant.
Coding change: c.824C>T on transcript NM_006005.3 (MANE Select); coding-DNA position 824, C replaced by T.
Protein change: p.Ala275Val; replaces alanine 275 with valine.
Molecular consequence: missense variant.
Genome position (GRCh38, 1-based): chr4:6,295,152, C>T. VCF-style: chr4-6295152-C-T. GRCh37 (hg19) VCF-style: chr4-6296879-C-T.
Other names: c.824C>T, p.Ala275Val (NM_001145853.1); short protein forms A275V.
Identifiers: ClinVar variation 2885695 (VCV002885695.4), dbSNP rs769151204, ClinGen allele CA2839070.